The following is an entry in ClinVar:

ClinVar aggregate classification (germline): Likely benign (1 of 4 stars; one submission).

Allele frequency attached by ClinVar (database versions not stated): gnomAD exomes 0.00002; TOPMed 0.00002; gnomAD 0.00003; ExAC 0.00004; ESP Exome Variant Server 0.00008; 1000 Genomes Project 30x 0.00016; 1000 Genomes Project 0.00020.

Submission:

CeGaT Center for Human Genetics Tuebingen
Classification: Likely benign. Last evaluated: 2024-06-01. Review status: criteria provided, single submitter. Criteria: CeGaT Center For Human Genetics Tuebingen Variant Classification Criteria Version 2. Collection method: clinical testing. Allele origin: germline. Affected: yes. Observed: 1 variant allele.
Comment: SHANK3: BP4, BP7

NM_001372044.2(SHANK3):c.1797C>T (p.Cys599=)

Gene: SHANK3 (SH3 and multiple ankyrin repeat domains 3; plus strand). Cytogenetic location: 22q13.33.
Variant type: single nucleotide variant.
Coding change: c.1797C>T on transcript NM_001372044.2 (MANE Select); coding-DNA position 1797, C replaced by T.
Protein change: p.Cys599=; no amino-acid change (cysteine 599 retained).
Molecular consequence: synonymous variant.
Genome position (GRCh38, 1-based): chr22:50,698,763, C>T. VCF-style: chr22-50698763-C-T. GRCh37 (hg19) VCF-style: chr22-51137191-C-T.
Other names: c.1572C>T, p.Cys524= (NM_033517.1).
Identifiers: ClinVar variation 3250801 (VCV003250801.18), dbSNP rs377573165.
Genomic context (GRCh38, chr22:50,698,763, plus strand): 5'-GGAGGGCGGTTTCTGGGAGGGAACCGTGAAAGGCCGCACGGGCTGGTTCCCGGCCGACTG[C>T]GTGGAGGAAGTGCAGATGAGGCAGCATGACACACGGCCTGGTGAGTGACCCCACGGCTCC-3'
Protein context (NP_001358973.1, residues 589-609): KGRTGWFPAD[Cys599=]VEEVQMRQHD